The following is an entry in ClinVar:

ClinVar aggregate classification (germline): Uncertain significance (1 of 4 stars; one submission).

Submission:

GeneDx
Classification: Uncertain significance. Last evaluated: 2026-02-24. Review status: criteria provided, single submitter. Criteria: GeneDx Variant Classification Process June 2021. Collection method: clinical testing. Allele origin: germline.
Comment: Not observed at significant frequency in large population cohorts (gnomAD); In silico analysis suggests that this missense variant does not alter protein structure/function; Has not been previously published as pathogenic or benign to our knowledge

NM_002971.6(SATB1):c.1779+585G>C

Gene: SATB1 (SATB homeobox 1; minus strand). Cytogenetic location: 3p24.3.
Variant type: single nucleotide variant.
Coding change: c.1779+585G>C on transcript NM_002971.6 (MANE Select); 585 bases into the intron after coding-DNA position 1779, G replaced by C.
Molecular consequence: intron variant. On other transcripts: missense variant (2).
Genome position (GRCh38, 1-based): chr3:18,351,407, C>G on the plus strand (G>C on the coding strand, the complement: SATB1 is on the minus strand). VCF-style: chr3-18351407-C-G. GRCh37 (hg19) VCF-style: chr3-18392899-C-G.
Other names: c.1781G>C, p.Ser594Thr (NM_001195470.3, NM_001322871.2); c.1779+585G>C (NM_001322874.2, NM_001322872.2, NM_001322873.2 and 2 more transcripts); c.1563+585G>C (NM_001322876.2); short protein forms S594T.
Identifiers: ClinVar variation 5010100 (VCV005010100.1).